The following is an entry in ClinVar:

ClinVar aggregate classification (germline): Uncertain significance (1 of 4 stars; one submission).

Allele frequency attached by ClinVar (database versions not stated): ExAC 0.00001; gnomAD 0.00001; TOPMed 0.00002; ESP Exome Variant Server 0.00008.
gnomAD v4.1: 6 of 1,611,044 alleles (0.00037%); highest among the groups gnomAD compares: African/African-American, 0.0054%; no homozygotes.

Submission:

Mayo Clinic Laboratories, Mayo Clinic
Classification: Uncertain significance. Last evaluated: 2022-10-26. Review status: criteria provided, single submitter. Criteria: ACMG Guidelines, 2015. Collection method: clinical testing. Allele origin: germline. Observed: 1 variant allele.
Comment: BP4

NM_001201550.3(CFHR4):c.44G>T (p.Cys15Phe)

Gene: CFHR4 (complement factor H related 4; plus strand). Cytogenetic location: 1q31.3.
Variant type: single nucleotide variant.
Coding change: c.44G>T on transcript NM_001201550.3 (MANE Select); coding-DNA position 44, G replaced by T.
Protein change: p.Cys15Phe; replaces cysteine 15 with phenylalanine.
Molecular consequence: missense variant.
Genome position (GRCh38, 1-based): chr1:196,888,194, G>T. VCF-style: chr1-196888194-G-T. GRCh37 (hg19) VCF-style: chr1-196857324-G-T.
Other names: p.Cys15Phe; c.44G>T, p.Cys15Phe (NM_001201551.2, NM_006684.5); short protein forms C15F.
Identifiers: ClinVar variation 2682699 (VCV002682699.1), dbSNP rs373860833, ClinGen allele CA1306701.
Genomic context (GRCh38, chr1:196,888,194, plus strand): 5'-TACTGAGAATATCTAACATGTTGTTACTAATCAATGTCATTCTGACCTTGTGGGTTTCCT[G>T]TGCTAATGGACAAGGTAAGTTGAAAGAGATCTAAACACTCAGCTTCCCTCTTAAATGTAA-3'
Protein context (NP_001188479.1, residues 5-25): INVILTLWVS[Cys15Phe]ANGQEVKPCD